The following is an entry in ClinVar:

ClinVar aggregate classification (germline): Conflicting classifications of pathogenicity. Review status: criteria provided, conflicting classifications (1 of 4 stars). 3 submissions from 3 submitters: Uncertain significance (2); Likely benign (1). Last evaluated 2025-10-01.

Conditions:
Cutis laxa, X-linked (OHS). Also called: EDS IX; Occipital horn syndrome. Identifiers: Orphanet 198, MedGen C0268353, MONDO:0010572, OMIM 304150.
Menkes kinky-hair syndrome (MNK). Also called: Classic Menkes Disease; Copper transport disease; Menkes Disease. Identifiers: Orphanet 565, MedGen C0022716, MONDO:0010651, OMIM 309400.
X-linked distal spinal muscular atrophy type 3. Also called: NEURONOPATHY, DISTAL HEREDITARY MOTOR, X-LINKED; NEUROPATHY, DISTAL HEREDITARY MOTOR, X-LINKED; ATP7A-Related Distal Motor Neuropathy; SPINAL MUSCULAR ATROPHY, DISTAL, X-LINKED RECESSIVE. Identifiers: Orphanet 139557, MedGen C1845359, MONDO:0010338, OMIM 300489.
Inborn genetic diseases. Identifiers: MedGen C0950123, MeSH D030342.

Allele frequency attached by ClinVar (database versions not stated): gnomAD 0.00001; TOPMed 0.00001; gnomAD exomes below 0.00001.
gnomAD v4.1: 4 of 1,206,286 alleles (0.00033%); highest among the groups gnomAD compares: Admixed American, 0.0088%; no homozygotes.

Submissions (3):

Labcorp Genetics (formerly Invitae), Labcorp
Classification: Likely benign for X-linked distal spinal muscular atrophy type 3; Cutis laxa, X-linked; Menkes kinky-hair syndrome. Last evaluated: 2025-10-01. Review status: criteria provided, single submitter. Criteria: Invitae Variant Classification Sherloc (09022015). Collection method: clinical testing. Allele origin: germline.

Women's Health and Genetics/Laboratory Corporation of America, LabCorp
Classification: Uncertain significance. Last evaluated: 2024-01-08. Review status: criteria provided, single submitter. Criteria: LabCorp Variant Classification Summary - May 2015. Collection method: clinical testing. Allele origin: germline.
Comment: Variant summary: ATP7A c.1618C>G (p.Pro540Ala) results in a non-conservative amino acid change located in the Heavy metal-associated domain, HMA (IPR006121) of the encoded protein sequence. Four of five in-silico tools predict a benign effect of the variant on protein function. The variant allele was found at a frequency of 1.1e-05 in 183475 control chromosomes. The available data on variant occurrences in the general population are insufficient to allow any conclusion about variant significance. To our knowledge, no occurrence of c.1618C>G in individuals affected with Menkes Kinky-Hair Syndrome and no experimental evidence demonstrating its impact on protein function have been reported. ClinVar contains an entry for this variant (Variation ID: 1776536). Based on the evidence outlined above, the variant was classified as uncertain significance.

Ambry Genetics
Classification: Uncertain significance for Inborn genetic diseases. Last evaluated: 2019-09-26. Review status: criteria provided, single submitter. Criteria: Ambry Variant Classification Scheme 2023. Collection method: clinical testing. Allele origin: germline.
Comment: The p.P540A variant (also known as c.1618C>G), located in coding exon 5 of the ATP7A gene, results from a C to G substitution at nucleotide position 1618. The proline at codon 540 is replaced by alanine, an amino acid with highly similar properties. This amino acid position is not well conserved in available vertebrate species. In addition, this alteration is predicted to be tolerated by in silico analysis. Since supporting evidence is limited at this time, the clinical significance of this alteration remains unclear.

NM_000052.7(ATP7A):c.1618C>G (p.Pro540Ala)

Gene: ATP7A (ATPase copper transporting alpha; plus strand). Cytogenetic location: Xq21.1.
Variant type: single nucleotide variant.
Coding change: c.1618C>G on transcript NM_000052.7 (MANE Select); coding-DNA position 1618, C replaced by G.
Protein change: p.Pro540Ala; replaces proline 540 with alanine.
Molecular consequence: missense variant.
Genome position (GRCh38, 1-based): chrX:78,003,147, C>G. VCF-style: chrX-78003147-C-G. GRCh37 (hg19) VCF-style: chrX-77258644-C-G.
Other names: c.1618C>G, p.Pro540Ala (NM_001282224.2); short protein forms P540A.
Identifiers: ClinVar variation 1776536 (VCV001776536.8), dbSNP rs896151271, ClinGen allele CA413595326.